The following is an entry in ClinVar:

ClinVar aggregate classification (germline): Uncertain significance (1 of 4 stars; one submission).

Allele frequency attached by ClinVar (database versions not stated): TOPMed below 0.00001; gnomAD exomes 0.00001.
gnomAD v4.1: 3 of 1,612,966 alleles (0.00019%); highest among the groups gnomAD compares: Non-Finnish European, 0.00025%; no homozygotes.

Submission:

Labcorp Genetics (formerly Invitae), Labcorp
Classification: Uncertain significance. Last evaluated: 2022-06-23. Review status: criteria provided, single submitter. Criteria: Invitae Variant Classification Sherloc (09022015). Collection method: clinical testing. Allele origin: germline.
Comment: In summary, the available evidence is currently insufficient to determine the role of this variant in disease. Therefore, it has been classified as a Variant of Uncertain Significance. Algorithms developed to predict the effect of missense changes on protein structure and function are either unavailable or do not agree on the potential impact of this missense change (SIFT: "Deleterious"; PolyPhen-2: "Benign"; Align-GVGD: "Class C0"). This variant has not been reported in the literature in individuals affected with LMX1B-related conditions. This variant is not present in population databases (gnomAD no frequency). This sequence change replaces methionine, which is neutral and non-polar, with leucine, which is neutral and non-polar, at codon 302 of the LMX1B protein (p.Met302Leu).

NM_001174147.2(LMX1B):c.904A>C (p.Met302Leu)

Gene: LMX1B (LIM homeobox transcription factor 1 beta; plus strand). Cytogenetic location: 9q33.3.
Variant type: single nucleotide variant.
Coding change: c.904A>C on transcript NM_001174147.2 (MANE Select); coding-DNA position 904, A replaced by C.
Protein change: p.Met302Leu; replaces methionine 302 with leucine.
Molecular consequence: missense variant.
Genome position (GRCh38, 1-based): chr9:126,695,856, A>C. VCF-style: chr9-126695856-A-C. GRCh37 (hg19) VCF-style: chr9-129458135-A-C.
Other names: c.937A>C, p.Met313Leu (NM_001174146.2); c.904A>C, p.Met302Leu (NM_002316.4); short protein forms M313L, M302L.
Identifiers: ClinVar variation 1450504 (VCV001450504.8), dbSNP rs1782032990, ClinGen allele CA374914867.